The following is an entry in ClinVar:

ClinVar aggregate classification (germline): Uncertain significance (1 of 4 stars; one submission).

Conditions:
Hyperkalemic periodic paralysis. Also called: Familial hyperkalemic periodic paralysis; Gamstorp disease. Identifiers: Orphanet 682, MedGen C0238357, MONDO:0008224, OMIM 170500, HP:0007215.

Allele frequency attached by ClinVar (database versions not stated): ExAC 0.00001; gnomAD exomes 0.00001.

Submission:

Labcorp Genetics (formerly Invitae), Labcorp
Classification: Uncertain significance for Hyperkalemic periodic paralysis. Last evaluated: 2023-10-24. Review status: criteria provided, single submitter. Criteria: Invitae Variant Classification Sherloc (09022015). Collection method: clinical testing. Allele origin: germline.
Comment: This sequence change replaces aspartic acid, which is acidic and polar, with asparagine, which is neutral and polar, at codon 252 of the SCN4A protein (p.Asp252Asn). This variant is present in population databases (rs762578758, gnomAD 0.003%). This variant has not been reported in the literature in individuals affected with SCN4A-related conditions. Advanced modeling of protein sequence and biophysical properties (such as structural, functional, and spatial information, amino acid conservation, physicochemical variation, residue mobility, and thermodynamic stability) performed at Invitae indicates that this missense variant is not expected to disrupt SCN4A protein function with a negative predictive value of 80%. In summary, the available evidence is currently insufficient to determine the role of this variant in disease. Therefore, it has been classified as a Variant of Uncertain Significance.

NM_000334.4(SCN4A):c.754G>A (p.Asp252Asn)

Gene: SCN4A (sodium voltage-gated channel alpha subunit 4; minus strand). Cytogenetic location: 17q23.3.
Variant type: single nucleotide variant.
Coding change: c.754G>A on transcript NM_000334.4 (MANE Select); coding-DNA position 754, G replaced by A.
Protein change: p.Asp252Asn; replaces aspartic acid 252 with asparagine.
Molecular consequence: missense variant.
Genome position (GRCh38, 1-based): chr17:63,968,305, C>T on the plus strand (G>A on the coding strand, the complement: SCN4A is on the minus strand). VCF-style: chr17-63968305-C-T. GRCh37 (hg19) VCF-style: chr17-62045665-C-T.
Other names: short protein forms D252N.
Identifiers: ClinVar variation 2863040 (VCV002863040.3), dbSNP rs762578758, ClinGen allele CA8710045.